The following is an entry in ClinVar:

ClinVar aggregate classification (germline): Benign/Likely benign. Review status: criteria provided, multiple submitters, no conflicts (2 of 4 stars). 3 submissions from 3 submitters: Benign (1); Likely benign (2). Last evaluated 2026-06-12.

Conditions:
Inborn genetic diseases. Identifiers: MedGen C0950123, MeSH D030342.
Tumor predisposition syndrome 2 (TPDS2). Also called: MBD4-ASSOCIATED NEOPLASIA SYNDROME; MBD4-Related Tumor Predisposition Syndrome; MBD4-associated neoplasia syndrome (MANS). Identifiers: Orphanet 661526, MedGen C5774186, MONDO:0859267, OMIM 619975.

Allele frequency attached by ClinVar (database versions not stated): gnomAD exomes 0.00001; TOPMed 0.00001.

Submissions (3):

Myriad Genetics, Inc.
Classification: Benign for Tumor predisposition syndrome 2. Last evaluated: 2026-06-12. Review status: criteria provided, single submitter. Criteria: Myriad Autosomal Dominant, Autosomal Recessive and X-Linked Classification Criteria (2023). Collection method: clinical testing. Allele origin: unknown.
Comment: This variant is considered benign. This variant is a silent/synonymous amino acid change and it is not expected to impact splicing.

Labcorp Genetics (formerly Invitae), Labcorp
Classification: Likely benign. Last evaluated: 2025-11-18. Review status: criteria provided, single submitter. Criteria: Invitae Variant Classification Sherloc (09022015). Collection method: clinical testing. Allele origin: germline.

Ambry Genetics
Classification: Likely benign for Inborn genetic diseases. Last evaluated: 2024-10-02. Review status: criteria provided, single submitter. Criteria: Ambry Variant Classification Scheme 2023. Collection method: clinical testing. Allele origin: germline.

NM_001276270.2(MBD4):c.1686C>T (p.Asp562=)

Gene: MBD4 (methyl-CpG binding domain 4, DNA glycosylase; minus strand). Cytogenetic location: 3q21.3.
Variant type: single nucleotide variant.
Coding change: c.1686C>T on transcript NM_001276270.2 (MANE Select); coding-DNA position 1686, C replaced by T.
Protein change: p.Asp562=; no amino-acid change (aspartic acid 562 retained).
Molecular consequence: synonymous variant. On other transcripts: 3 prime UTR variant (1).
Genome position (GRCh38, 1-based): chr3:129,431,540, G>A on the plus strand (C>T on the coding strand, the complement: MBD4 is on the minus strand). VCF-style: chr3-129431540-G-A. GRCh37 (hg19) VCF-style: chr3-129150383-G-A.
Other names: c.*28C>T (NM_001276272.2); c.750C>T, p.Asp250= (NM_001276273.2); c.1704C>T, p.Asp568= (NM_003925.3).
Identifiers: ClinVar variation 2868672 (VCV002868672.5), dbSNP rs1223685483, ClinGen allele CA435614669.